The following is an entry in ClinVar:

ClinVar aggregate classification (germline): Uncertain significance (1 of 4 stars; one submission).

Conditions:
Cardiovascular phenotype. Identifiers: MedGen CN230736.

Submission:

Ambry Genetics
Classification: Uncertain significance for Cardiovascular phenotype. Last evaluated: 2026-07-01. Review status: criteria provided, single submitter. Criteria: Ambry Variant Classification Scheme 2023. Collection method: clinical testing. Allele origin: germline.
Comment: The p.I453M variant (also known as c.1359C>G), located in coding exon 3 of the HCN4 gene, results from a C to G substitution at nucleotide position 1359. The isoleucine at codon 453 is replaced by methionine, an amino acid with highly similar properties. This amino acid position is conserved. In addition, this alteration is predicted to be tolerated by in silico analysis. Based on the available evidence, the clinical significance of this variant remains unclear.

NM_005477.3(HCN4):c.1359C>G (p.Ile453Met)

Gene: HCN4 (hyperpolarization activated cyclic nucleotide gated potassium channel 4; minus strand). Cytogenetic location: 15q24.1.
Variant type: single nucleotide variant.
Coding change: c.1359C>G on transcript NM_005477.3 (MANE Select); coding-DNA position 1359, C replaced by G.
Protein change: p.Ile453Met; replaces isoleucine 453 with methionine.
Molecular consequence: missense variant.
Genome position (GRCh38, 1-based): chr15:73,332,143, G>C on the plus strand (C>G on the coding strand, the complement: HCN4 is on the minus strand). VCF-style: chr15-73332143-G-C. GRCh37 (hg19) VCF-style: chr15-73624484-G-C.
Other names: short protein forms I453M.
Identifiers: ClinVar variation 5022619 (VCV005022619.1).